The following is an entry in ClinVar:

ClinVar aggregate classification (germline): Conflicting classifications of pathogenicity. Review status: criteria provided, conflicting classifications (1 of 4 stars). 3 submissions from 3 submitters: Uncertain significance (1); Likely benign (2). Last evaluated 2020-08-05.

Conditions:
Hereditary cancer-predisposing syndrome. Also called: Hereditary Cancer Syndrome; Hereditary neoplastic syndrome; Neoplastic Syndromes, Hereditary; Tumor predisposition. Identifiers: Orphanet 140162, MedGen C0027672, MeSH D009386, MONDO:0015356.
POLD1-related polyposis and colorectal cancer syndrome (CRCS10). Also called: Colorectal cancer, susceptibility to, 10; Colorectal cancer 10; COLORECTAL CANCER, SUSCEPTIBILITY TO, ON CHROMOSOME 19q. Identifiers: Orphanet 220460, MedGen C2675481, MONDO:0012953, OMIM 612591.

Allele frequency attached by ClinVar (database versions not stated): gnomAD exomes below 0.00001.
gnomAD v4.1: 2 of 1,609,814 alleles (0.00012%); highest among the groups gnomAD compares: East Asian, 0.0022%; no homozygotes.

Submissions (3):

Ambry Genetics
Classification: Likely benign for Hereditary cancer-predisposing syndrome. Last evaluated: 2020-08-05. Review status: criteria provided, single submitter. Criteria: Ambry Variant Classification Scheme 2023. Collection method: clinical testing. Allele origin: germline.

GeneDx
Classification: Uncertain significance. Last evaluated: 2019-11-29. Review status: criteria provided, single submitter. Criteria: GeneDx Variant Classification Process June 2021. Collection method: clinical testing. Allele origin: germline. Affected: yes.
Comment: Not observed at a significant frequency in large population cohorts (Lek 2016); In silico analysis, which includes splice predictors and evolutionary conservation, supports that this variant does not alter protein structure/function; Has not been previously published as pathogenic or benign to our knowledge

Labcorp Genetics (formerly Invitae), Labcorp
Classification: Likely benign for POLD1-related polyposis and colorectal cancer syndrome. Last evaluated: 2018-04-08. Review status: criteria provided, single submitter. Criteria: Invitae Variant Classification Sherloc (09022015). Collection method: clinical testing. Allele origin: germline.

NM_002691.4(POLD1):c.2505C>T (p.Asp835=)

Gene: POLD1 (DNA polymerase delta 1, catalytic subunit; plus strand). Cytogenetic location: 19q13.33.
Variant type: single nucleotide variant.
Coding change: c.2505C>T on transcript NM_002691.4 (MANE Select); coding-DNA position 2505, C replaced by T.
Protein change: p.Asp835=; no amino-acid change (aspartic acid 835 retained).
Molecular consequence: synonymous variant. On other transcripts: non-coding transcript variant (1).
Genome position (GRCh38, 1-based): chr19:50,414,931, C>T. VCF-style: chr19-50414931-C-T. GRCh37 (hg19) VCF-style: chr19-50918188-C-T.
Other names: c.2505C>T, p.Asp835= (NM_001256849.1); c.2583C>T, p.Asp861= (NM_001308632.1).
Identifiers: ClinVar variation 757811 (VCV000757811.13), dbSNP rs1028335528, ClinGen allele CA309604798.
Genomic context (GRCh38, chr19:50,414,931, plus strand): 5'-CTCCCGGCCCGACGCCCACGACCGCATGGACTGCAAGGGCCTGGAGGCCGTGCGCAGGGA[C>T]AACTGCCCCCTCGTGGCCAACCTGGTCACTGCCTCACTGCGCCGCCTGCTCATCGACCGG-3'
Protein context (NP_002682.2, residues 825-845): DCKGLEAVRR[Asp835=]NCPLVANLVT